The following is an entry in ClinVar:

ClinVar aggregate classification (germline): Pathogenic (1 of 4 stars; one submission).

Conditions:
Tuberous sclerosis 1 (TSC1). Identifiers: Orphanet 805, MedGen C1854465, MONDO:0008612, OMIM 191100.

Submission:

Labcorp Genetics (formerly Invitae), Labcorp
Classification: Pathogenic for Tuberous sclerosis 1. Last evaluated: 2023-01-09. Review status: criteria provided, single submitter. Criteria: Invitae Variant Classification Sherloc (09022015). Collection method: clinical testing. Allele origin: germline.
Comment: For these reasons, this variant has been classified as Pathogenic. This variant has not been reported in the literature in individuals affected with TSC1-related conditions. This variant is not present in population databases (gnomAD no frequency). This sequence change creates a premature translational stop signal (p.Glu534Alafs*12) in the TSC1 gene. It is expected to result in an absent or disrupted protein product. Loss-of-function variants in TSC1 are known to be pathogenic (PMID: 10227394, 17304050).

Literature cited by the submitters: PubMed 10227394; PubMed 17304050.

NM_000368.5(TSC1):c.1601_1602del (p.Glu534fs)

Gene: TSC1 (TSC complex subunit 1; minus strand). Cytogenetic location: 9q34.13.
Variant type: Deletion.
Coding change: c.1601_1602del on transcript NM_000368.5 (MANE Select); coding-DNA positions 1601 to 1602, 2 bases deleted (AG; older notation c.1601_1602delAG).
Protein change: p.Glu534fs; shifts the reading frame from glutamic acid 534.
Molecular consequence: frameshift variant. On other transcripts: non-coding transcript variant (5).
Genome position (GRCh38, 1-based): chr9:132,905,976-132,905,977, CT deleted on the plus strand (AG on the coding strand, the reverse complement: TSC1 is on the minus strand); deleting any 2 consecutive bases within chr9:132,905,976-132,905,978 gives the same sequence; the c. name uses the placement nearest the transcript's 3' end. VCF-style (leftmost placement, unchanged base first): chr9-132905975-GCT-G. GRCh37 (hg19) VCF-style: chr9-135781362-GCT-G.
Other names: c.1598_1599del, p.Glu533fs (NM_001162426.2, NM_001406603.1, NM_001406604.1 and 6 more transcripts); c.1448_1449del, p.Glu483fs (NM_001162427.2, NM_001406610.1); c.1238_1239del, p.Glu413fs (NM_001362177.2, NM_001406624.1, NM_001406614.1 and 5 more transcripts); c.1601_1602del, p.Glu534fs (NM_001406592.1, NM_001406593.1, NM_001406602.1 and 7 more transcripts); c.1445_1446del, p.Glu482fs (NM_001406611.1, NM_001406612.1, NM_001406613.1); c.1235_1236del, p.Glu412fs (NM_001406620.1, NM_001406621.1, NM_001406622.1 and 2 more transcripts); c.650_651del, p.Glu217fs (NM_001406626.1); c.647_648del, p.Glu216fs (NM_001406627.1, NM_001406628.1); and 1 more; short protein forms E217fs, E483fs, E534fs, E183fs, E216fs, E412fs, E482fs, E413fs.
Identifiers: ClinVar variation 2827307 (VCV002827307.3), dbSNP rs2538734736, ClinGen allele CA2739264842.
Genomic context (GRCh38, chr9:132,905,975, plus strand): 5'-TGGGAGTAAAGGCTTGCTTTGGTGTGTCAGGCCCAAGCTTGTCCAGGGAGGAGTGTAAAG[GCT>G]CAGGGTTCACGCTGGCGCCCTGAGAACTGGAGGCTGCCGAGTGGGTCTTCCGCTGAGAAC-3'